The following is an entry in ClinVar:

ClinVar aggregate classification (germline): Uncertain significance (1 of 4 stars; one submission).

Submission:

Labcorp Genetics (formerly Invitae), Labcorp
Classification: Uncertain significance. Last evaluated: 2022-01-18. Review status: criteria provided, single submitter. Criteria: Invitae Variant Classification Sherloc (09022015). Collection method: clinical testing. Allele origin: germline.
Comment: This sequence change replaces histidine, which is basic and polar, with glutamine, which is neutral and polar, at codon 180 of the CYP4V2 protein (p.His180Gln). This variant is not present in population databases (gnomAD no frequency). This variant has not been reported in the literature in individuals affected with CYP4V2-related conditions. Advanced modeling of protein sequence and biophysical properties (such as structural, functional, and spatial information, amino acid conservation, physicochemical variation, residue mobility, and thermodynamic stability) performed at Invitae indicates that this missense variant is not expected to disrupt CYP4V2 protein function. In summary, the available evidence is currently insufficient to determine the role of this variant in disease. Therefore, it has been classified as a Variant of Uncertain Significance.

NM_207352.4(CYP4V2):c.540C>G (p.His180Gln)

Gene: CYP4V2 (cytochrome P450 family 4 subfamily V member 2; plus strand). Cytogenetic location: 4q35.1.
Variant type: single nucleotide variant.
Coding change: c.540C>G on transcript NM_207352.4 (MANE Select); coding-DNA position 540, C replaced by G.
Protein change: p.His180Gln; replaces histidine 180 with glutamine.
Molecular consequence: missense variant.
Genome position (GRCh38, 1-based): chr4:186,197,066, C>G. VCF-style: chr4-186197066-C-G. GRCh37 (hg19) VCF-style: chr4-187118220-C-G.
Other names: short protein forms H180Q.
Identifiers: ClinVar variation 2087705 (VCV002087705.1), dbSNP rs1170370532, ClinGen allele CA358947526.